The following is an entry in ClinVar:

NM_016239.4(MYO15A):c.32_40del (p.Ala11_Lys13del)

Gene: MYO15A (myosin XVA; plus strand). Cytogenetic location: 17p11.2.
Variant type: Deletion.
Coding change: c.32_40del on transcript NM_016239.4 (MANE Select); coding-DNA positions 32 to 40, 9 bases deleted (CCAAGAAAG; older notation c.32_40delCCAAGAAAG).
Protein change: p.Ala11_Lys13del.
Molecular consequence: inframe deletion.
Genome position (GRCh38, 1-based): chr17:18,118,832-18,118,840, CCAAGAAAG deleted; deleting any 9 consecutive bases within chr17:18,118,825-18,118,840 gives the same sequence; the c. name uses the placement nearest the transcript's 3' end. VCF-style (leftmost placement, unchanged base first): chr17-18118824-GAAGAAAGCC-G. GRCh37 (hg19) VCF-style: chr17-18022138-GAAGAAAGCC-G.
Other names: c.32_40del (NM_016239.3).
Identifiers: ClinVar variation 593188 (VCV000593188.6), dbSNP rs1567617546, ClinGen allele CA913191111.

ClinVar aggregate classification (germline): Uncertain significance. Review status: criteria provided, multiple submitters, no conflicts (2 of 4 stars). 2 submissions from 2 submitters: Uncertain significance (2). Last evaluated 2023-04-19.

Submissions (2):

GeneDx
Classification: Uncertain significance. Last evaluated: 2023-04-19. Review status: criteria provided, single submitter. Criteria: GeneDx Variant Classification Process June 2021. Collection method: clinical testing. Allele origin: germline. Affected: yes.
Comment: In-frame deletion of 3 amino acids in a non-repeat region; Not observed at significant frequency in large population cohorts (gnomAD); In silico analysis supports that this variant does not alter protein structure/function; Has not been previously published as pathogenic or benign to our knowledge

Eurofins Ntd Llc (ga)
Classification: Uncertain significance. Last evaluated: 2017-07-20. Review status: criteria provided, single submitter. Criteria: EGL Classification Definitions 2015. Collection method: clinical testing. Allele origin: germline. Observed: 1 variant allele, 1 heterozygote.